The following is an entry in ClinVar:

NM_006939.4(SOS2):c.3271A>C (p.Thr1091Pro)

Gene: SOS2 (SOS Ras/Rho guanine nucleotide exchange factor 2; minus strand). Cytogenetic location: 14q21.3.
Variant type: single nucleotide variant.
Coding change: c.3271A>C on transcript NM_006939.4 (MANE Select); coding-DNA position 3271, A replaced by C.
Protein change: p.Thr1091Pro; replaces threonine 1091 with proline.
Molecular consequence: missense variant.
Genome position (GRCh38, 1-based): chr14:50,130,567, T>G on the plus strand (A>C on the coding strand, the complement: SOS2 is on the minus strand). VCF-style: chr14-50130567-T-G. GRCh37 (hg19) VCF-style: chr14-50597285-T-G.
Other names: c.3172A>C, p.Thr1058Pro (NM_001411020.1); short protein forms T1091P, T1058P.
Identifiers: ClinVar variation 4709549 (VCV004709549.1).

ClinVar aggregate classification (germline): Uncertain significance (1 of 4 stars; one submission).

Conditions:
Noonan syndrome 9 (NS9). Identifiers: Orphanet 648, MedGen C4225282, MONDO:0014691, OMIM 616559.

Submission:

Labcorp Genetics (formerly Invitae), Labcorp
Classification: Uncertain significance for Noonan syndrome 9. Last evaluated: 2025-04-09. Review status: criteria provided, single submitter. Criteria: Invitae Variant Classification Sherloc (09022015). Collection method: clinical testing. Allele origin: germline.
Comment: This sequence change replaces threonine, which is neutral and polar, with proline, which is neutral and non-polar, at codon 1091 of the SOS2 protein (p.Thr1091Pro). This variant is not present in population databases (gnomAD no frequency). This variant has not been reported in the literature in individuals affected with SOS2-related conditions. Invitae Evidence Modeling of protein sequence and biophysical properties (such as structural, functional, and spatial information, amino acid conservation, physicochemical variation, residue mobility, and thermodynamic stability) indicates that this missense variant is not expected to disrupt SOS2 protein function with a negative predictive value of 95%. In summary, the available evidence is currently insufficient to determine the role of this variant in disease. Therefore, it has been classified as a Variant of Uncertain Significance.